The following is an entry in ClinVar:

NM_003824.4(FADD):c.175C>T (p.His59Tyr)

Gene: FADD (Fas associated via death domain; plus strand). Cytogenetic location: 11q13.3.
Variant type: single nucleotide variant.
Coding change: c.175C>T on transcript NM_003824.4 (MANE Select); coding-DNA position 175, C replaced by T.
Protein change: p.His59Tyr; replaces histidine 59 with tyrosine.
Molecular consequence: missense variant.
Genome position (GRCh38, 1-based): chr11:70,203,634, C>T. VCF-style: chr11-70203634-C-T. GRCh37 (hg19) VCF-style: chr11-70049740-C-T.
Other names: short protein forms H59Y.
Identifiers: ClinVar variation 2072869 (VCV002072869.1), dbSNP rs768967977, ClinGen allele CA6158416.

ClinVar aggregate classification (germline): Uncertain significance (1 of 4 stars; one submission).

Conditions:
FADD-related immunodeficiency. Also called: Infections, recurrent, with encephalopathy, hepatic dysfunction, and cardiovascular malformations; FADD DEFICIENCY. Identifiers: Orphanet 306550, MedGen C3151062, MONDO:0013408, OMIM 613759.

Allele frequency attached by ClinVar (database versions not stated): gnomAD 0.00001; gnomAD exomes 0.00001; ExAC 0.00003; TOPMed 0.00003.
gnomAD v4.1: 17 of 1,586,920 alleles (0.0011%); highest among the groups gnomAD compares: Admixed American, 0.023%; no homozygotes.

Submission:

Labcorp Genetics (formerly Invitae), Labcorp
Classification: Uncertain significance for FADD-related immunodeficiency. Last evaluated: 2022-08-01. Review status: criteria provided, single submitter. Criteria: Invitae Variant Classification Sherloc (09022015). Collection method: clinical testing. Allele origin: germline.
Comment: This sequence change replaces histidine, which is basic and polar, with tyrosine, which is neutral and polar, at codon 59 of the FADD protein (p.His59Tyr). This variant is present in population databases (rs768967977, gnomAD 0.04%). This variant has not been reported in the literature in individuals affected with FADD-related conditions. Algorithms developed to predict the effect of missense changes on protein structure and function (SIFT, PolyPhen-2, Align-GVGD) all suggest that this variant is likely to be tolerated. In summary, the available evidence is currently insufficient to determine the role of this variant in disease. Therefore, it has been classified as a Variant of Uncertain Significance.